The following is an entry in ClinVar:

NM_000443.4(ABCB4):c.*15A>G

Gene: ABCB4 (ATP binding cassette subfamily B member 4; minus strand). Cytogenetic location: 7q21.12.
Variant type: single nucleotide variant.
Coding change: c.*15A>G on transcript NM_000443.4 (MANE Select); 15 bases downstream of the stop codon, A replaced by G.
Molecular consequence: 3 prime UTR variant.
Genome position (GRCh38, 1-based): chr7:87,402,081, T>C on the plus strand (A>G on the coding strand, the complement: ABCB4 is on the minus strand). VCF-style: chr7-87402081-T-C. GRCh37 (hg19) VCF-style: chr7-87031397-T-C.
Other names: c.*15A>G (NM_018849.3, NM_018850.3).
Identifiers: ClinVar variation 4846321 (VCV004846321.1).

ClinVar aggregate classification (germline): Uncertain significance (1 of 4 stars; one submission).

Conditions:
Familial intrahepatic cholestasis. Identifiers: Orphanet 284385, MedGen CN296401, MONDO:0017290.
Low phospholipid associated cholelithiasis (GBD1). Also called: Gallbladder disease 1; Gallstone cholecystitis. Identifiers: Orphanet 69663, MedGen C2609268, MONDO:0010939, OMIM 600803.

gnomAD v4.1: 8 of 1,613,744 alleles (0.0005%); highest among the groups gnomAD compares: Non-Finnish European, 0.00059%; no homozygotes.

Submission:

Genomenon, Inc
Classification: Uncertain significance for Familial intrahepatic cholestasis; Low phospholipid associated cholelithiasis. Last evaluated: 2026-04-14. Review status: criteria provided, single submitter. Criteria: Genomenon Sequence Variant Interpretation Standards - Updated. Collection method: curation. Allele origin: germline. Affected: no.
Comment: ABCB4 c.*15A>G is a variant located in the 3′ untranslated region (3′ UTR). This variant has been reported in the published literature (PMID:30079523). It is absent or not present at a significant frequency in gnomAD. In conclusion, we classify ABCB4 c.*15A>G as a variant of uncertain significance.

Literature cited by the submitters: PubMed 30079523.